The following is an entry in ClinVar:

NM_001379500.1(COL18A1):c.2786dup (p.Gly930fs)

Genes: COL18A1 (collagen type XVIII alpha 1 chain; plus strand), SLC19A1 (solute carrier family 19 member 1; minus strand). Cytogenetic location: 21q22.3.
Variant type: Duplication.
Coding change: c.2786dup on transcript NM_001379500.1 (MANE Select); coding-DNA position 2786, one base duplicated (G; older notation c.2786dupG).
Protein change: p.Gly930fs; shifts the reading frame from glycine 930.
Molecular consequence: frameshift variant.
Genome position (GRCh38, 1-based): chr21:45,504,474, G duplicated; the last of 5 consecutive G bases (chr21:45,504,470-45,504,474); duplicating any one gives the same sequence. VCF-style (leftmost placement, unchanged base first): chr21-45504469-C-CG. GRCh37 (hg19) VCF-style: chr21-46924383-C-CG.
Other names: c.3326dup, p.Gly1110fs (NM_030582.4); c.4031dup, p.Gly1345fs (NM_130444.3); short protein forms G1345fs, G930fs, G1110fs.
Identifiers: ClinVar variation 1424228 (VCV001424228.6), dbSNP rs1220214438, ClinGen allele CA2573157796.

ClinVar aggregate classification (germline): Pathogenic (1 of 4 stars; one submission).

Submission:

Labcorp Genetics (formerly Invitae), Labcorp
Classification: Pathogenic. Last evaluated: 2025-01-27. Review status: criteria provided, single submitter. Criteria: Invitae Variant Classification Sherloc (09022015). Collection method: clinical testing. Allele origin: germline.
Comment: This sequence change creates a premature translational stop signal (p.Gly930Argfs*154) in the COL18A1 gene. It is expected to result in an absent or disrupted protein product. Loss-of-function variants in COL18A1 are known to be pathogenic (PMID: 12415512, 25456301). This variant is not present in population databases (gnomAD no frequency). This variant has not been reported in the literature in individuals affected with COL18A1-related conditions. ClinVar contains an entry for this variant (Variation ID: 1424228). For these reasons, this variant has been classified as Pathogenic.

Literature cited by the submitters: PubMed 12415512; PubMed 25456301.